The following is an entry in ClinVar:

NM_022841.7(RFX7):c.2113dup (p.Thr705fs)

Gene: RFX7 (regulatory factor X7; minus strand). Cytogenetic location: 15q21.3.
Variant type: Duplication.
Coding change: c.2113dup on transcript NM_022841.7 (MANE Select); coding-DNA position 2113, one base duplicated (A; older notation c.2113dupA).
Protein change: p.Thr705fs; shifts the reading frame from threonine 705.
Molecular consequence: frameshift variant.
Genome position (GRCh38, 1-based): chr15:56,095,615, T duplicated on the plus strand (A on the coding strand, the reverse complement: RFX7 is on the minus strand); the first of 4 consecutive T bases (chr15:56,095,615-56,095,618); duplicating any one gives the same sequence. VCF-style (leftmost placement, unchanged base first): chr15-56095614-G-GT. GRCh37 (hg19) VCF-style: chr15-56387812-G-GT.
Other names: c.1822dup, p.Thr608fs (NM_001368073.2, NM_001368074.1, NM_001370554.1); c.2113dup, p.Thr705fs (NM_001370561.1); c.2113dup (NM_022841.5); short protein forms T608fs, T705fs.
Identifiers: ClinVar variation 2462070 (VCV002462070.3), dbSNP rs2504989059, ClinGen allele CA2580089807.

ClinVar aggregate classification (germline): Uncertain significance. Review status: criteria provided, single submitter (1 of 4 stars). 2 submissions from 2 submitters: Uncertain significance (1). 1 of the submissions does not count toward it. Last evaluated 2023-03-14.

Conditions:
Intellectual developmental disorder, autosomal dominant 71, with behavioral abnormalities (MRD71). Identifiers: MedGen C5830437, MONDO:0957228, OMIM 620330.
Inborn genetic diseases. Identifiers: MedGen C0950123, MeSH D030342.

Submissions (2):

Ambry Genetics
Classification: Uncertain significance for Inborn genetic diseases. Last evaluated: 2023-03-14. Review status: criteria provided, single submitter. Criteria: Ambry Variant Classification Scheme 2023. Collection method: clinical testing. Allele origin: germline.
Comment: The c.2113dupA (p.T705Nfs*12) alteration, located in exon 9 (coding exon 9) of the RFX7 gene, consists of a duplication of A at position 2113, causing a translational frameshift with a predicted alternate stop codon after 12 amino acids. This alteration is expected to result in premature protein truncation or nonsense-mediated mRNA decay. However, loss of function of RFX7 has not been established as a mechanism of disease. This variant was not reported in population-based cohorts in the Genome Aggregation Database (gnomAD). Based on insufficient or conflicting evidence, the clinical significance of this alteration remains unclear.

OMIM
Classification: Pathogenic for INTELLECTUAL DEVELOPMENTAL DISORDER, AUTOSOMAL DOMINANT 71, WITH BEHAVIORAL ABNORMALITIES. Last evaluated: 2023-04-19. Review status: no assertion criteria provided. Collection method: literature only. Allele origin: germline. Not counted in ClinVar's aggregate classification.

Literature cited by the submitters: PubMed 33658631 (cited by OMIM).